The following is an entry in ClinVar:

ClinVar aggregate classification (germline): Likely benign. Review status: criteria provided, single submitter (1 of 4 stars). 2 submissions from 2 submitters: Likely benign (1). 1 of the submissions does not count toward it. Last evaluated 2023-09-01.

Conditions:
DNAH2-related disorder. Also called: DNAH2-related condition.

Allele frequency attached by ClinVar (database versions not stated): 1000 Genomes Project 0.00080; 1000 Genomes Project 30x 0.00094; TOPMed 0.00098; ESP Exome Variant Server 0.00100; ExAC 0.00114; gnomAD 0.00117.
gnomAD v4.1: 2,997 of 1,613,704 alleles (0.19%); highest among the groups gnomAD compares: Non-Finnish European, 0.24%; 4 homozygotes.

Submissions (2):

CeGaT Center for Human Genetics Tuebingen
Classification: Likely benign. Last evaluated: 2023-09-01. Review status: criteria provided, single submitter. Criteria: CeGaT Center For Human Genetics Tuebingen Variant Classification Criteria Version 2. Collection method: clinical testing. Allele origin: germline. Affected: yes. Observed: 3 variant alleles.
Comment: DNAH2: BP4, BP7

PreventionGenetics, part of Exact Sciences
Classification: Likely benign for DNAH2-related condition. Last evaluated: 2019-06-12. Review status: no assertion criteria provided. Collection method: clinical testing. Allele origin: germline. Not counted in ClinVar's aggregate classification.
Comment: This variant is classified as likely benign based on ACMG/AMP sequence variant interpretation guidelines (Richards et al. 2015 PMID: 25741868, with internal and published modifications).

NM_020877.5(DNAH2):c.5748C>T (p.Pro1916=)

Gene: DNAH2 (dynein axonemal heavy chain 2; plus strand). Cytogenetic location: 17p13.1.
Variant type: single nucleotide variant.
Coding change: c.5748C>T on transcript NM_020877.5 (MANE Select); coding-DNA position 5748, C replaced by T.
Protein change: p.Pro1916=; no amino-acid change (proline 1916 retained).
Molecular consequence: synonymous variant.
Genome position (GRCh38, 1-based): chr17:7,780,182, C>T. VCF-style: chr17-7780182-C-T. GRCh37 (hg19) VCF-style: chr17-7683500-C-T.
Other names: c.5748C>T (NM_020877.3).
Identifiers: ClinVar variation 2582953 (VCV002582953.26), dbSNP rs145127395, ClinGen allele CA8357529.